The following is an entry in ClinVar:

NM_020191.4(MRPS22):c.878+1G>T

Gene: MRPS22 (mitochondrial ribosomal protein S22; plus strand). Cytogenetic location: 3q23.
Variant type: single nucleotide variant.
Coding change: c.878+1G>T on transcript NM_020191.4 (MANE Select); the canonical splice donor site of the intron after coding-DNA position 878, G replaced by T.
Molecular consequence: splice donor variant.
Genome position (GRCh38, 1-based): chr3:139,352,793, G>T. VCF-style: chr3-139352793-G-T. GRCh37 (hg19) VCF-style: chr3-139071635-G-T.
Other names: c.875+1G>T (NM_001363893.1); c.755+1G>T (NM_001363857.1).
Identifiers: ClinVar variation 432184 (VCV000432184.16), dbSNP rs775354826, ClinGen allele CA2640831.

ClinVar aggregate classification (germline): Pathogenic. Review status: criteria provided, multiple submitters, no conflicts (2 of 4 stars). 6 submissions from 6 submitters: Pathogenic (6). Last evaluated 2025-08-25.

Conditions:
46 XX gonadal dysgenesis. Also called: 46,XX gonadal dysgenesis. Identifiers: Orphanet 243, MedGen C0685837, MeSH D023961, MONDO:0009299.
Hypotonia with lactic acidemia and hyperammonemia. Identifiers: Orphanet 137908, MedGen C2673642, MONDO:0012718, OMIM 611719.

Allele frequency attached by ClinVar (database versions not stated): ExAC 0.00004; gnomAD exomes 0.00004; TOPMed 0.00004.
gnomAD v4.1: 221 of 1,612,666 alleles (0.014%); highest among the groups gnomAD compares: Non-Finnish European, 0.018%; no homozygotes.

Submissions (6):

Daryl Scott Lab, Baylor College of Medicine
Classification: Pathogenic for Hypotonia with lactic acidemia and hyperammonemia. Last evaluated: 2025-08-25. Review status: criteria provided, single submitter. Criteria: ACMG Guidelines, 2015. Collection method: clinical testing. Allele origin: paternal. Affected: yes. Observed: 1 heterozygote.
Comment: PVS1,PM2, PM3

GeneDx
Classification: Pathogenic. Last evaluated: 2024-06-21. Review status: criteria provided, single submitter. Criteria: GeneDx Variant Classification Process June 2021. Collection method: clinical testing. Allele origin: germline. Affected: yes.
Comment: Canonical splice site variant predicted to result in a null allele in a gene for which loss of function is a known mechanism of disease; Not observed at significant frequency in large population cohorts (gnomAD); This variant is associated with the following publications: (PMID: 29096039, 31589614)

Labcorp Genetics (formerly Invitae), Labcorp
Classification: Pathogenic. Last evaluated: 2024-05-07. Review status: criteria provided, single submitter. Criteria: Invitae Variant Classification Sherloc (09022015). Collection method: clinical testing. Allele origin: germline.
Comment: This sequence change affects a donor splice site in intron 6 of the MRPS22 gene. It is expected to disrupt RNA splicing. Variants that disrupt the donor or acceptor splice site typically lead to a loss of protein function (PMID: 16199547), and loss-of-function variants in MRPS22 are known to be pathogenic (PMID: 28425981, 29096039). This variant is present in population databases (rs775354826, gnomAD 0.006%). Disruption of this splice site has been observed in individual(s) with combined oxidative phosphorylation deficiency (PMID: 29096039). In at least one individual the data is consistent with being in trans (on the opposite chromosome) from a pathogenic variant. ClinVar contains an entry for this variant (Variation ID: 432184). Algorithms developed to predict the effect of sequence changes on RNA splicing suggest that this variant may disrupt the consensus splice site. For these reasons, this variant has been classified as Pathogenic.

Department of Pathology and Laboratory Medicine, Sinai Health System
Classification: Pathogenic for 46 XX gonadal dysgenesis. Last evaluated: 2022-07-19. Review status: criteria provided, single submitter. Criteria: ACMG Guidelines, 2015. Collection method: research. Allele origin: germline.

Institute of Medical Genetics and Applied Genomics, University Hospital Tübingen
Classification: Pathogenic. Last evaluated: 2020-10-23. Review status: criteria provided, single submitter. Criteria: ACMG Guidelines, 2015. Collection method: clinical testing. Allele origin: germline. Inheritance: Autosomal recessive inheritance. Affected: yes.

Revvity Omics, Revvity
Classification: Pathogenic. Last evaluated: 2019-11-04. Review status: criteria provided, single submitter. Criteria: ACMG Guidelines, 2015. Collection method: clinical testing. Allele origin: germline.

Literature cited by the submitters: PubMed 16199547 (cited by Labcorp Genetics (formerly Invitae), Labcorp); PubMed 28425981 (cited by Labcorp Genetics (formerly Invitae), Labcorp); PubMed 29096039 (cited by Labcorp Genetics (formerly Invitae), Labcorp).